The following is an entry in ClinVar:

NM_194454.3(KRIT1):c.250C>T (p.Gln84Ter)

Gene: KRIT1 (KRIT1 ankyrin repeat containing; minus strand). Cytogenetic location: 7q21.2.
Variant type: single nucleotide variant.
Coding change: c.250C>T on transcript NM_194454.3 (MANE Select); coding-DNA position 250, C replaced by T.
Protein change: p.Gln84Ter; replaces glutamine 84 with a stop codon.
Molecular consequence: nonsense. On other transcripts: 5 prime UTR variant (1).
Genome position (GRCh38, 1-based): chr7:92,241,005, G>A on the plus strand (C>T on the coding strand, the complement: KRIT1 is on the minus strand). VCF-style: chr7-92241005-G-A. GRCh37 (hg19) VCF-style: chr7-91870319-G-A.
Other names: c.250C>T, p.Gln84Ter (NM_001013406.2, NM_001350669.1, NM_001350670.1 and 29 more transcripts); c.-334C>T (NM_001350671.1); short protein forms Q84*.
Identifiers: ClinVar variation 1074210 (VCV001074210.8), dbSNP rs751651833, ClinGen allele CA4339444.
Genomic context (GRCh38, chr7:92,241,005, plus strand): 5'-TCCACAAGTATTTTAAACAATGTGTTTTTTAAAAAAGAAGTTTCCTACCTCTGATACCCT[G>A]GTTTGCAGGAGAAATTGGTTTGGTGGTTTCTACTACGTAATCCAATATGCCTTGTGTTAT-3'

ClinVar aggregate classification (germline): Pathogenic. Review status: criteria provided, multiple submitters, no conflicts (2 of 4 stars). 2 submissions from 2 submitters: Pathogenic (2). Last evaluated 2021-02-19.

Conditions:
KRIT1-related disorder. Also called: KRIT1-related condition; KRIT1-related disorders.
Cerebral cavernous malformation (CCM). Also called: CAVERNOUS ANGIOMA, FAMILIAL; CAVERNOUS ANGIOMATOUS MALFORMATIONS; CEREBRAL CAPILLARY MALFORMATIONS; Cerebral cavernous malformations; Cavernous Hemangioma of Brain; Cerebral cavernous hemangioma (type). Identifiers: Orphanet 221061, MedGen C2919945, MONDO:0000820, OMIM 116860, HP:0033522.

Allele frequency attached by ClinVar (database versions not stated): gnomAD exomes below 0.00001; ExAC 0.00001.

Submissions (2):

Blueprint Genetics
Classification: Pathogenic for KRIT1-related disorders. Last evaluated: 2021-02-19. Review status: criteria provided, single submitter. Criteria: ACMG Guidelines, 2015. Collection method: clinical testing. Allele origin: germline. Affected: yes. Observed: 1 variant allele.

Labcorp Genetics (formerly Invitae), Labcorp
Classification: Pathogenic for Cerebral cavernous malformation. Last evaluated: 2020-09-02. Review status: criteria provided, single submitter. Criteria: Invitae Variant Classification Sherloc (09022015). Collection method: clinical testing. Allele origin: germline.
Comment: This sequence change creates a premature translational stop signal (p.Gln84*) in the KRIT1 gene. It is expected to result in an absent or disrupted protein product. This variant is present in population databases (rs751651833, ExAC 0.001%). This variant has not been reported in the literature in individuals with KRIT1-related conditions. Loss-of-function variants in KRIT1 are known to be pathogenic (PMID: 10508515, 11222804, 12404106, 24689081). For these reasons, this variant has been classified as Pathogenic.

Literature cited by the submitters: PubMed 10508515 (cited by Labcorp Genetics (formerly Invitae), Labcorp); PubMed 11222804 (cited by Labcorp Genetics (formerly Invitae), Labcorp); PubMed 12404106 (cited by Labcorp Genetics (formerly Invitae), Labcorp); PubMed 24689081 (cited by Labcorp Genetics (formerly Invitae), Labcorp).